The following is an entry in ClinVar:

NM_020937.4(FANCM):c.1928C>T (p.Thr643Ile)

Gene: FANCM (FA complementation group M; plus strand). Cytogenetic location: 14q21.2.
Variant type: single nucleotide variant.
Coding change: c.1928C>T on transcript NM_020937.4 (MANE Select); coding-DNA position 1928, C replaced by T.
Protein change: p.Thr643Ile; replaces threonine 643 with isoleucine.
Molecular consequence: missense variant.
Genome position (GRCh38, 1-based): chr14:45,167,089, C>T. VCF-style: chr14-45167089-C-T. GRCh37 (hg19) VCF-style: chr14-45636292-C-T.
Other names: c.1850C>T, p.Thr617Ile (NM_001308133.2); c.1928C>T, p.Thr643Ile (NM_001308134.2); short protein forms T617I, T643I.
Identifiers: ClinVar variation 5036569 (VCV005036569.1).

ClinVar aggregate classification (germline): Uncertain significance (1 of 4 stars; one submission).

Conditions:
Inborn genetic diseases. Identifiers: MedGen C0950123, MeSH D030342.

gnomAD v4.1: 3 of 1,613,328 alleles (0.00019%); highest among the groups gnomAD compares: Admixed American, 0.0017%; no homozygotes.

Submission:

Ambry Genetics
Classification: Uncertain significance for Inborn genetic diseases. Last evaluated: 2026-06-20. Review status: criteria provided, single submitter. Criteria: Ambry Variant Classification Scheme 2023. Collection method: clinical testing. Allele origin: germline.
Comment: The p.T643I variant (also known as c.1928C>T), located in coding exon 11 of the FANCM gene, results from a C to T substitution at nucleotide position 1928. The threonine at codon 643 is replaced by isoleucine, an amino acid with similar properties. This amino acid position is conserved. In addition, this alteration is predicted to be tolerated by in silico analysis. Based on the available evidence, the clinical significance of this variant remains unclear.